The following is an entry in ClinVar:

NM_144997.7(FLCN):c.1429C>G (p.Arg477Gly)

Gene: FLCN (folliculin; minus strand). Cytogenetic location: 17p11.2.
Variant type: single nucleotide variant.
Coding change: c.1429C>G on transcript NM_144997.7 (MANE Select); coding-DNA position 1429, C replaced by G.
Protein change: p.Arg477Gly; replaces arginine 477 with glycine.
Molecular consequence: missense variant.
Genome position (GRCh38, 1-based): chr17:17,215,188, G>C on the plus strand (C>G on the coding strand, the complement: FLCN is on the minus strand). VCF-style: chr17-17215188-G-C. GRCh37 (hg19) VCF-style: chr17-17118502-G-C.
Other names: c.1483C>G, p.Arg495Gly (NM_001353229.2); c.1429C>G, p.Arg477Gly (NM_001353230.2, NM_001353231.2); short protein forms R495G, R477G.
Identifiers: ClinVar variation 1772441 (VCV001772441.4), dbSNP rs879255678, ClinGen allele CA398531080.
Genomic context (GRCh38, chr17:17,215,188, plus strand): 5'-TAGCGCGGGGCGGGGGCATCTTCTCACAAAAAGGACACTCTGCCTGGGGGCACCCACCTC[G>C]GTCTGCAGCTACAGGGCTCCCACTGGTCACCACAAACTCGTACTTGCTGAGAGACTGGTC-3'
Protein context (NP_659434.2, residues 467-487): VTSGSPVAAD[Arg477Gly]VGPTILNKIE

ClinVar aggregate classification (germline): Uncertain significance. Review status: criteria provided, multiple submitters, no conflicts (2 of 4 stars). 2 submissions from 2 submitters: Uncertain significance (2). Last evaluated 2024-07-16.

Conditions:
Birt-Hogg-Dube syndrome. Also called: Birt Hogg Dubé syndrome. Identifiers: Orphanet 122, MedGen C0346010, MONDO:0800444.
Hereditary cancer-predisposing syndrome. Also called: Tumor predisposition; Neoplastic Syndromes, Hereditary; Hereditary Cancer Syndrome; Hereditary neoplastic syndrome. Identifiers: Orphanet 140162, MedGen C0027672, MeSH D009386, MONDO:0015356.

gnomAD v4.1: 1 of 1,614,106 alleles (0.000062%); highest among the groups gnomAD compares: Non-Finnish European, 0.000085%; no homozygotes.

Submissions (2):

Labcorp Genetics (formerly Invitae), Labcorp
Classification: Uncertain significance for Birt-Hogg-Dube syndrome. Last evaluated: 2024-07-16. Review status: criteria provided, single submitter. Criteria: Invitae Variant Classification Sherloc (09022015). Collection method: clinical testing. Allele origin: germline.
Comment: This sequence change replaces arginine, which is basic and polar, with glycine, which is neutral and non-polar, at codon 477 of the FLCN protein (p.Arg477Gly). This variant is not present in population databases (gnomAD no frequency). This variant has not been reported in the literature in individuals affected with FLCN-related conditions. ClinVar contains an entry for this variant (Variation ID: 1772441). Advanced modeling of protein sequence and biophysical properties (such as structural, functional, and spatial information, amino acid conservation, physicochemical variation, residue mobility, and thermodynamic stability) performed at Invitae indicates that this missense variant is not expected to disrupt FLCN protein function with a negative predictive value of 80%. In summary, the available evidence is currently insufficient to determine the role of this variant in disease. Therefore, it has been classified as a Variant of Uncertain Significance.

Ambry Genetics
Classification: Uncertain significance for Hereditary cancer-predisposing syndrome. Last evaluated: 2022-07-07. Review status: criteria provided, single submitter. Criteria: Ambry Variant Classification Scheme 2023. Collection method: clinical testing. Allele origin: germline.
Comment: The p.R477G variant (also known as c.1429C>G), located in coding exon 9 of the FLCN gene, results from a C to G substitution at nucleotide position 1429. The arginine at codon 477 is replaced by glycine, an amino acid with dissimilar properties. This amino acid position is conserved. In addition, the in silico prediction for this alteration is inconclusive. Since supporting evidence is limited at this time, the clinical significance of this alteration remains unclear.